The following is an entry in ClinVar:

NM_001267550.2(TTN):c.19614_19615delinsTT (p.Glu6539Ter)

Gene: TTN (titin; minus strand). Cytogenetic location: 2q31.2.
Variant type: Indel.
Coding change: c.19614_19615delinsTT on transcript NM_001267550.2 (MANE Select); coding-DNA positions 19614 to 19615, GG replaced by TT.
Protein change: p.Glu6539Ter; replaces glutamic acid 6539 with a stop codon.
Molecular consequence: nonsense. On other transcripts: intron variant (3).
Genome position (GRCh38, 1-based): chr2:178,728,209-178,728,210, CC replaced by AA on the plus strand (GG replaced by TT on the coding strand, the reverse complement: TTN is on the minus strand). VCF-style: chr2-178728209-CC-AA. GRCh37 (hg19) VCF-style: chr2-179592936-CC-AA.
Other names: c.18663_18664delinsTT, p.Glu6222Ter (NM_001256850.1); c.19614_19615delGGinsTT, p.Glu6539Ter (NM_001267550.1); c.15882_15883delinsTT, p.Glu5295Ter (NM_133378.4); c.13282+9872_13282+9873delinsTT (NM_003319.4); c.13858+9872_13858+9873delinsTT (NM_133437.4); c.13657+9872_13657+9873delinsTT (NM_133432.3); short protein forms E5295*, E6222*, E6539*.
Identifiers: ClinVar variation 2507128 (VCV002507128.1), dbSNP rs2529845564, ClinGen allele CA2580616615.
Genomic context (GRCh38, chr2:178,728,209, plus strand): 5'-CTACATTTGACACTTTGCATGTGTAATTTGCAGTATCTTCTAATTCCAGATTATTAACTT[CC>AA]AGAGACACAGATCTCTCATGGCACACAAGTCTGTATTTTGCACTTGTAGATATTTCTTTT-3'

ClinVar aggregate classification (germline): Uncertain significance (1 of 4 stars; one submission).

Submission:

GeneDx
Classification: Uncertain significance. Last evaluated: 2022-12-27. Review status: criteria provided, single submitter. Criteria: GeneDx Variant Classification Process June 2021. Collection method: clinical testing. Allele origin: germline. Affected: yes.
Comment: Not observed at significant frequency in large population cohorts (gnomAD); Nonsense variant predicted to result in protein truncation or nonsense mediated decay in a gene or region of a gene for which loss of function is not a well-established mechanism of disease; Has not been previously published as pathogenic or benign to our knowledge